The following is an entry in ClinVar:

ClinVar aggregate classification (germline): Uncertain significance (1 of 4 stars; one submission).

Submission:

GeneDx
Classification: Uncertain significance. Last evaluated: 2024-07-09. Review status: criteria provided, single submitter. Criteria: GeneDx Variant Classification Process June 2021. Collection method: clinical testing. Allele origin: germline. Affected: yes.
Comment: Not observed at significant frequency in large population cohorts (gnomAD); In silico analysis indicates that this missense variant does not alter protein structure/function; Has not been previously published as pathogenic or benign to our knowledge

NM_001375524.1(TRRAP):c.9621C>A (p.Asp3207Glu)

Gene: TRRAP (transformation/transcription domain associated protein; plus strand). Cytogenetic location: 7q22.1.
Variant type: single nucleotide variant.
Coding change: c.9621C>A on transcript NM_001375524.1 (MANE Select); coding-DNA position 9621, C replaced by A.
Protein change: p.Asp3207Glu; replaces aspartic acid 3207 with glutamic acid.
Molecular consequence: missense variant.
Genome position (GRCh38, 1-based): chr7:98,990,484, C>A. VCF-style: chr7-98990484-C-A. GRCh37 (hg19) VCF-style: chr7-98588107-C-A.
Other names: c.9633C>A, p.Asp3211Glu (NM_001244580.2); c.9546C>A, p.Asp3182Glu (NM_003496.4); short protein forms D3211E, D3207E, D3182E.
Identifiers: ClinVar variation 3572821 (VCV003572821.1).
Genomic context (GRCh38, chr7:98,990,484, plus strand): 5'-TTCTACTCTAGAATTTCTCCTTCTGTCTCAGGTGCTGTGGCTTTTGAGTTTTGATGATGA[C>A]AAAAACACTTTGGCAGATGCCGTCGACAAGTACTGCATTGGTGTGCCACCCATCCAGTGG-3'
Protein context (NP_001362453.1, residues 3197-3217): KVLWLLSFDD[Asp3207Glu]KNTLADAVDK